The following is an entry in ClinVar:

ClinVar aggregate classification (germline): Uncertain significance (1 of 4 stars; one submission).

Submission:

Labcorp Genetics (formerly Invitae), Labcorp
Classification: Uncertain significance. Last evaluated: 2025-09-02. Review status: criteria provided, single submitter. Criteria: Invitae Variant Classification Sherloc (09022015). Collection method: clinical testing. Allele origin: germline.
Comment: This sequence change replaces alanine, which is neutral and non-polar, with threonine, which is neutral and polar, at codon 26 of the MTHFS protein (p.Ala26Thr). This variant is not present in population databases (gnomAD no frequency). This variant has not been reported in the literature in individuals affected with MTHFS-related conditions. ClinVar contains an entry for this variant (Variation ID: 2021495). An algorithm developed to predict the effect of missense changes on protein structure and function outputs the following: PolyPhen-2: "Benign". The threonine amino acid residue is found in multiple mammalian species, which suggests that this missense change does not adversely affect protein function. In summary, the available evidence is currently insufficient to determine the role of this variant in disease. Therefore, it has been classified as a Variant of Uncertain Significance.

NM_006441.4(MTHFS):c.76G>A (p.Ala26Thr)

Genes: MTHFS (methenyltetrahydrofolate synthetase; minus strand), ST20-MTHFS (ST20-MTHFS readthrough; minus strand). Cytogenetic location: 15q25.1.
Variant type: single nucleotide variant.
Coding change: c.76G>A on transcript NM_006441.4 (MANE Select); coding-DNA position 76, G replaced by A.
Protein change: p.Ala26Thr; replaces alanine 26 with threonine.
Molecular consequence: missense variant. On other transcripts: non-coding transcript variant (1), intron variant (2).
Genome position (GRCh38, 1-based): chr15:79,896,913, C>T on the plus strand (G>A on the coding strand, the complement: MTHFS is on the minus strand). VCF-style: chr15-79896913-C-T. GRCh37 (hg19) VCF-style: chr15-80189255-C-T.
Other names: c.46-7559G>A (NM_001199760.2); c.-55+248G>A (NM_001199758.1); short protein forms A26T.
Identifiers: ClinVar variation 2021495 (VCV002021495.4), dbSNP rs2505210794, ClinGen allele CA393610436.